The following is an entry in ClinVar:

NM_000054.7(AVPR2):c.349T>C (p.Tyr117His)

Gene: AVPR2 (arginine vasopressin receptor 2; plus strand). Cytogenetic location: Xq28.
Variant type: single nucleotide variant.
Coding change: c.349T>C on transcript NM_000054.7 (MANE Select); coding-DNA position 349, T replaced by C.
Protein change: p.Tyr117His; replaces tyrosine 117 with histidine.
Molecular consequence: missense variant.
Genome position (GRCh38, 1-based): chrX:153,905,855, T>C. VCF-style: chrX-153905855-T-C. GRCh37 (hg19) VCF-style: chrX-153171309-T-C.
Other names: c.349T>C, p.Tyr117His (NM_001146151.3); c.349T>C (NM_000054.4); short protein forms Y117H.
Identifiers: ClinVar variation 1964963 (VCV001964963.6), dbSNP rs2521153848, ClinGen allele CA415105253.

ClinVar aggregate classification (germline): Uncertain significance. Review status: criteria provided, multiple submitters, no conflicts (2 of 4 stars). 2 submissions from 2 submitters: Uncertain significance (2). Last evaluated 2025-12-24.

Submissions (2):

Labcorp Genetics (formerly Invitae), Labcorp
Classification: Uncertain significance. Last evaluated: 2025-12-24. Review status: criteria provided, single submitter. Criteria: Invitae Variant Classification Sherloc (09022015). Collection method: clinical testing. Allele origin: germline.
Comment: This sequence change replaces tyrosine, which is neutral and polar, with histidine, which is basic and polar, at codon 117 of the AVPR2 protein (p.Tyr117His). This variant is not present in population databases (gnomAD no frequency). This variant has not been reported in the literature in individuals affected with AVPR2-related conditions. ClinVar contains an entry for this variant (Variation ID: 1964963). Invitae Evidence Modeling of protein sequence and biophysical properties (such as structural, functional, and spatial information, amino acid conservation, physicochemical variation, residue mobility, and thermodynamic stability) indicates that this missense variant is not expected to disrupt AVPR2 protein function with a negative predictive value of 80%. In summary, the available evidence is currently insufficient to determine the role of this variant in disease. Therefore, it has been classified as a Variant of Uncertain Significance.

GeneDx
Classification: Uncertain significance. Last evaluated: 2025-05-06. Review status: criteria provided, single submitter. Criteria: GeneDx Variant Classification Process June 2021. Collection method: clinical testing. Allele origin: germline. Affected: yes.
Comment: Not observed at significant frequency in large population cohorts (gnomAD); In silico analysis supports that this missense variant has a deleterious effect on protein structure/function; Has not been previously published as pathogenic or benign to our knowledge